The following is an entry in ClinVar:

ClinVar aggregate classification (germline): Uncertain significance (1 of 4 stars; one submission).

gnomAD v4.1: 1 of 1,209,821 alleles (0.000083%); highest among the groups gnomAD compares: Admixed American, 0.0022%; no homozygotes.

Submission:

Labcorp Genetics (formerly Invitae), Labcorp
Classification: Uncertain significance. Last evaluated: 2022-07-05. Review status: criteria provided, single submitter. Criteria: Invitae Variant Classification Sherloc (09022015). Collection method: clinical testing. Allele origin: germline.
Comment: This variant has not been reported in the literature in individuals affected with COL4A6-related conditions. In summary, the available evidence is currently insufficient to determine the role of this variant in disease. Therefore, it has been classified as a Variant of Uncertain Significance. Algorithms developed to predict the effect of missense changes on protein structure and function are either unavailable or do not agree on the potential impact of this missense change (SIFT: "Deleterious"; PolyPhen-2: "Probably Damaging"; Align-GVGD: "Class C0"). ClinVar contains an entry for this variant (Variation ID: 1352580). This variant is not present in population databases (gnomAD no frequency). This sequence change replaces glycine, which is neutral and non-polar, with aspartic acid, which is acidic and polar, at codon 1091 of the COL4A6 protein (p.Gly1091Asp).

NM_033641.4(COL4A6):c.3269G>A (p.Gly1090Asp)

Gene: COL4A6 (collagen type IV alpha 6 chain; minus strand). Cytogenetic location: Xq22.3.
Variant type: single nucleotide variant.
Coding change: c.3269G>A on transcript NM_033641.4 (MANE Select); coding-DNA position 3269, G replaced by A.
Protein change: p.Gly1090Asp; replaces glycine 1090 with aspartic acid.
Molecular consequence: missense variant.
Genome position (GRCh38, 1-based): chrX:108,171,395, C>T on the plus strand (G>A on the coding strand, the complement: COL4A6 is on the minus strand). VCF-style: chrX-108171395-C-T. GRCh37 (hg19) VCF-style: chrX-107414625-C-T.
Other names: c.3320G>A, p.Gly1107Asp (NM_001287758.2); c.3269G>A, p.Gly1090Asp (NM_001287759.2, NM_001287760.2); c.3272G>A, p.Gly1091Asp (NM_001847.4); short protein forms G1091D, G1090D, G1107D.
Identifiers: ClinVar variation 1352580 (VCV001352580.6), dbSNP rs769241359, ClinGen allele CA413856438.